The following is an entry in ClinVar:

NC_000005.9:g.(?_112043009)_(112043599_?)dup

Genes: APC (APC regulator of Wnt signaling pathway; plus strand), LOC129994371 (ATAC-STARR-seq lymphoblastoid active region 22910; plus strand). Cytogenetic location: 5q22.2.
Variant type: Duplication.
Identifiers: ClinVar variation 469682 (VCV000469682.10).

ClinVar aggregate classification (germline): Uncertain significance. Review status: criteria provided, single submitter (1 of 4 stars). 2 submissions from 1 submitter: Uncertain significance (1). 1 of the submissions does not count toward it. Last evaluated 2023-08-07.

Conditions:
Familial adenomatous polyposis 1 (FAP1). Also called: POLYPOSIS, ADENOMATOUS INTESTINAL; FAMILIAL ADENOMATOUS POLYPOSIS 1, ATTENUATED. Identifiers: MedGen C2713442, MONDO:0021056, OMIM 175100. Disease mechanism: loss of function.

Submissions (2):

Labcorp Genetics (formerly Invitae), Labcorp
Classification: Uncertain significance for Familial adenomatous polyposis 1. Last evaluated: 2023-08-07. Review status: criteria provided, single submitter. Criteria: Invitae Variant Classification Sherloc (09022015). Collection method: clinical testing. Allele origin: germline.
Comment: This variant is a copy number gain that occurs in a non-coding region of the APC gene. It does not change the encoded amino acid sequence of the APC protein. In summary, the available evidence is currently insufficient to determine the role of this variant in disease. Therefore, it has been classified as a Variant of Uncertain Significance. Experimental studies and prediction algorithms are not available or were not evaluated, and the functional significance of this variant is currently unknown. A similar copy number variant has been observed in individual(s) with familial adenomatous polyposis (PMID: 28533537).

Labcorp Genetics (formerly Invitae), Labcorp
Classification: Uncertain significance for Familial adenomatous polyposis 1. Last evaluated: 2019-12-01. Review status: flagged submission. Criteria: Invitae Variant Classification Sherloc (09022015). Collection method: clinical testing. Allele origin: germline. Not counted in ClinVar's aggregate classification.
Comment: This variant results in a copy number gain of the genomic region encompassing the promoter 1B sequences of the APC gene. While the exact position cannot be determined from this data, the duplicated copy of this region is likely in tandem. Similar copy number gain events of the promoter 1B region have been reported in families affected with familial adenomatous polyposis (PMID: 28533537). Experimental studies are not available for this variant, and the functional significance of this duplicated promoter region is currently unknown. In summary, the available evidence is currently insufficient to determine the role of this variant in disease. Therefore, it has been classified as a Variant of Uncertain Significance.
ClinVar note: Reason: This record appears to be redundant with a more recent record from the same submitter.
ClinVar note: Notes: SCV000647146 appears to be redundant with SCV002145464.

Literature cited by the submitters: PubMed 28533537.